The following is an entry in ClinVar:

NC_000002.11:g.(?_71827822)_(71827982_?)del

Gene: DYSF (dysferlin; plus strand). Cytogenetic location: 2p13.2.
Variant type: Deletion.
Identifiers: ClinVar variation 2424691 (VCV002424691.4).

ClinVar aggregate classification (germline): Pathogenic (1 of 4 stars; one submission).

Conditions:
Neuromuscular disease caused by qualitative or quantitative defects of dysferlin. Also called: Dysferlinopathy; Qualitative or quantitative defects of dysferlin. Identifiers: Orphanet 207073, MedGen C2931687, MONDO:0016145.

Submission:

Labcorp Genetics (formerly Invitae), Labcorp
Classification: Pathogenic for Neuromuscular disease caused by qualitative or quantitative defects of dysferlin. Last evaluated: 2022-03-26. Review status: criteria provided, single submitter. Criteria: Invitae Variant Classification Sherloc (09022015). Collection method: clinical testing. Allele origin: germline.
Comment: This variant has not been reported in the literature in individuals affected with DYSF-related conditions. For these reasons, this variant has been classified as Pathogenic. This variant disrupts a region of the DYSF protein in which other variant(s) (p.Gly1268Arg) have been determined to be pathogenic (PMID: 15827562). This suggests that this is a clinically significant region of the protein, and that variants that disrupt it are likely to be disease-causing. This variant is a gross deletion of the genomic region encompassing exon(s) 34 of the DYSF gene. This variant would be expected to be in-frame, preserving the integrity of the reading frame.

Literature cited by the submitters: PubMed 15827562.